The following is an entry in ClinVar:

ClinVar aggregate classification (germline): Benign/Likely benign. Review status: criteria provided, multiple submitters, no conflicts (2 of 4 stars). 2 submissions from 2 submitters: Benign (1); Likely benign (1). Last evaluated 2024-12-18.

Conditions:
Kabuki syndrome. Also called: Kabuki make-up syndrome; NIIKAWA-KUROKI SYNDROME. Identifiers: Orphanet 2322, MedGen C0796004, MONDO:0016512.
KMT2D-related disorder. Also called: KMT2D-Related Disorders.

Allele frequency attached by ClinVar (database versions not stated): TOPMed 0.00001; gnomAD exomes 0.00009 and 0.00021; 1000 Genomes Project 30x 0.00016; ExAC 0.00017; 1000 Genomes Project 0.00020.

Submissions (2):

PreventionGenetics, part of Exact Sciences
Classification: Likely benign for KMT2D-related condition. Last evaluated: 2024-12-18. Review status: criteria provided, single submitter. Criteria: ACMG Guidelines, 2015. Collection method: clinical testing. Allele origin: germline.
Comment: This variant is classified as likely benign based on ACMG/AMP sequence variant interpretation guidelines (Richards et al. 2015 PMID: 25741868, with internal and published modifications).

Labcorp Genetics (formerly Invitae), Labcorp
Classification: Benign for Kabuki syndrome. Last evaluated: 2023-11-16. Review status: criteria provided, single submitter. Criteria: Invitae Variant Classification Sherloc (09022015). Collection method: clinical testing. Allele origin: germline.

NM_003482.4(KMT2D):c.1377C>G (p.Ser459=)

Gene: KMT2D (lysine methyltransferase 2D; minus strand). Cytogenetic location: 12q13.12.
Variant type: single nucleotide variant.
Coding change: c.1377C>G on transcript NM_003482.4 (MANE Select); coding-DNA position 1377, C replaced by G.
Protein change: p.Ser459=; no amino-acid change (serine 459 retained).
Molecular consequence: synonymous variant.
Genome position (GRCh38, 1-based): chr12:49,052,306, G>C on the plus strand (C>G on the coding strand, the complement: KMT2D is on the minus strand). VCF-style: chr12-49052306-G-C. GRCh37 (hg19) VCF-style: chr12-49446089-G-C.
Other names: c.1377C>G (NM_003482.3).
Identifiers: ClinVar variation 1588595 (VCV001588595.9), dbSNP rs200861520, ClinGen allele CA6548493.